The following is an entry in ClinVar:

ClinVar aggregate classification (germline): Uncertain significance (1 of 4 stars; one submission).

Conditions:
Inborn genetic diseases. Identifiers: MedGen C0950123, MeSH D030342.

Submission:

Ambry Genetics
Classification: Uncertain significance for Inborn genetic diseases. Last evaluated: 2022-11-21. Review status: criteria provided, single submitter. Criteria: Ambry Variant Classification Scheme 2023. Collection method: clinical testing. Allele origin: germline.
Comment: The p.N114K variant (also known as c.342C>G), located in coding exon 5 of the ERCC2 gene, results from a C to G substitution at nucleotide position 342. The asparagine at codon 114 is replaced by lysine, an amino acid with similar properties. This amino acid position is conserved. In addition, the in silico prediction for this alteration is inconclusive. Since supporting evidence is limited at this time, the clinical significance of this alteration remains unclear.

NM_000400.4(ERCC2):c.342C>G (p.Asn114Lys)

Gene: ERCC2 (ERCC excision repair 2, TFIIH core complex helicase subunit; minus strand). Cytogenetic location: 19q13.32.
Variant type: single nucleotide variant.
Coding change: c.342C>G on transcript NM_000400.4 (MANE Select); coding-DNA position 342, C replaced by G.
Protein change: p.Asn114Lys; replaces asparagine 114 with lysine.
Molecular consequence: missense variant.
Genome position (GRCh38, 1-based): chr19:45,368,648, G>C on the plus strand (C>G on the coding strand, the complement: ERCC2 is on the minus strand). VCF-style: chr19-45368648-G-C. GRCh37 (hg19) VCF-style: chr19-45871906-G-C.
Other names: c.270C>G, p.Asn90Lys (NM_001130867.2); short protein forms N114K, N90K.
Identifiers: ClinVar variation 2452342 (VCV002452342.2), dbSNP rs2514043687, ClinGen allele CA406378036.